The following is an entry in ClinVar:

NM_002439.5(MSH3):c.909G>A (p.Lys303=)

Gene: MSH3 (mutS homolog 3; plus strand). Cytogenetic location: 5q14.1.
Variant type: single nucleotide variant.
Coding change: c.909G>A on transcript NM_002439.5 (MANE Select); coding-DNA position 909, G replaced by A.
Protein change: p.Lys303=; no amino-acid change (lysine 303 retained).
Molecular consequence: synonymous variant.
Genome position (GRCh38, 1-based): chr5:80,672,360, G>A. VCF-style: chr5-80672360-G-A. GRCh37 (hg19) VCF-style: chr5-79968179-G-A.
Identifiers: ClinVar variation 1396142 (VCV001396142.9), dbSNP rs757164724, ClinGen allele CA445158900.

ClinVar aggregate classification (germline): Uncertain significance. Review status: criteria provided, multiple submitters, no conflicts (2 of 4 stars). 2 submissions from 2 submitters: Uncertain significance (2). Last evaluated 2025-04-04.

Conditions:
Hereditary cancer-predisposing syndrome. Also called: Neoplastic Syndromes, Hereditary; Hereditary neoplastic syndrome; Tumor predisposition; Hereditary Cancer Syndrome. Identifiers: Orphanet 140162, MedGen C0027672, MeSH D009386, MONDO:0015356.

gnomAD v4.1: 3 of 1,604,516 alleles (0.00019%); highest among the groups gnomAD compares: South Asian, 0.0022%; no homozygotes.

Submissions (2):

Ambry Genetics
Classification: Uncertain significance for Hereditary cancer-predisposing syndrome. Last evaluated: 2025-04-04. Review status: criteria provided, single submitter. Criteria: Ambry Variant Classification Scheme 2023. Collection method: clinical testing. Allele origin: germline.
Comment: The c.909G>A variant (also known as p.K303K) is located in coding exon 5 of the MSH3 gene. This variant results from a G to A substitution at nucleotide position 909. This nucleotide substitution does not change the lysine at codon 303. However, this change occurs in the last base pair of coding exon 5, which makes it likely to have some effect on normal mRNA splicing. This nucleotide position is highly conserved in available vertebrate species. In silico splice site analysis predicts that this alteration will weaken the native splice donor site and will result in the creation or strengthening of a novel splice donor site; however, direct evidence is insufficient at this time (Ambry internal data). Since supporting evidence is limited at this time, the clinical significance of this alteration remains unclear.

Labcorp Genetics (formerly Invitae), Labcorp
Classification: Uncertain significance. Last evaluated: 2024-04-05. Review status: criteria provided, single submitter. Criteria: Invitae Variant Classification Sherloc (09022015). Collection method: clinical testing. Allele origin: germline.
Comment: This sequence change affects codon 303 of the MSH3 mRNA. It is a 'silent' change, meaning that it does not change the encoded amino acid sequence of the MSH3 protein. This variant also falls at the last nucleotide of exon 5, which is part of the consensus splice site for this exon. This variant is not present in population databases (gnomAD no frequency). This variant has not been reported in the literature in individuals affected with MSH3-related conditions. ClinVar contains an entry for this variant (Variation ID: 1396142). Variants that disrupt the consensus splice site are a relatively common cause of aberrant splicing (PMID: 17576681, 9536098). Algorithms developed to predict the effect of sequence changes on RNA splicing suggest that this variant may disrupt the consensus splice site. In summary, the available evidence is currently insufficient to determine the role of this variant in disease. Therefore, it has been classified as a Variant of Uncertain Significance.

Literature cited by the submitters: PubMed 17576681 (cited by Labcorp Genetics (formerly Invitae), Labcorp); PubMed 9536098 (cited by Labcorp Genetics (formerly Invitae), Labcorp).